The following is an entry in ClinVar:

NM_000138.5(FBN1):c.4791A>C (p.Pro1597=)

Gene: FBN1 (fibrillin 1; minus strand). Cytogenetic location: 15q21.1.
Variant type: single nucleotide variant.
Coding change: c.4791A>C on transcript NM_000138.5 (MANE Select); coding-DNA position 4791, A replaced by C.
Protein change: p.Pro1597=; no amino-acid change (proline 1597 retained).
Molecular consequence: synonymous variant.
Genome position (GRCh38, 1-based): chr15:48,465,815, T>G on the plus strand (A>C on the coding strand, the complement: FBN1 is on the minus strand). VCF-style: chr15-48465815-T-G. GRCh37 (hg19) VCF-style: chr15-48758012-T-G.
Identifiers: ClinVar variation 925969 (VCV000925969.7), dbSNP rs2043316050, ClinGen allele CA490026898.

ClinVar aggregate classification (germline): Likely benign. Review status: criteria provided, multiple submitters, no conflicts (2 of 4 stars). 3 submissions from 3 submitters: Likely benign (3). Last evaluated 2024-04-15.

Conditions:
Familial thoracic aortic aneurysm and aortic dissection (TAAD). Also called: Thoracic aortic aneurysms and dissections. Identifiers: Orphanet 91387, MedGen C4707243, MONDO:0019625.
Marfan syndrome (MFS). Also called: Marfan syndrome, classic; Marfan syndrome type 1; Marfan's syndrome; FBN1-Related Marfan Syndrome; MARFAN SYNDROME, TYPE I. Identifiers: Orphanet 284963, Orphanet 558, MedGen C0024796, MONDO:0007947, OMIM 154700.

Allele frequency attached by ClinVar (database versions not stated): gnomAD exomes 0.00001.
gnomAD v4.1: 7 of 1,613,976 alleles (0.00043%); highest among the groups gnomAD compares: Non-Finnish European, 0.00059%; no homozygotes.

Submissions (3):

Labcorp Genetics (formerly Invitae), Labcorp
Classification: Likely benign for Marfan syndrome; Familial thoracic aortic aneurysm and aortic dissection. Last evaluated: 2024-04-15. Review status: criteria provided, single submitter. Criteria: Invitae Variant Classification Sherloc (09022015). Collection method: clinical testing. Allele origin: germline.

All of Us Research Program, National Institutes of Health
Classification: Likely benign for Marfan syndrome. Last evaluated: 2023-11-30. Review status: criteria provided, single submitter. Criteria: ACMG Guidelines, 2015. Collection method: clinical testing. Allele origin: germline. Inheritance: Autosomal dominant inheritance. Observed: 1 variant allele, 1 heterozygote.
Comment: This study involves interpretation of variants in research participants for the purpose of population health screening. Participant phenotype was not available at the time of variant classification. Additional details can be found in publication PMID: 35346344, PMCID: PMC8962531

Color Diagnostics, LLC DBA Color Health
Classification: Likely benign for Familial thoracic aortic aneurysm and aortic dissection. Last evaluated: 2019-04-01. Review status: criteria provided, single submitter. Criteria: ACMG Guidelines, 2015. Collection method: clinical testing. Allele origin: germline.